The following is an entry in ClinVar:

ClinVar aggregate classification (germline): Conflicting classifications of pathogenicity. Review status: criteria provided, conflicting classifications (1 of 4 stars). 4 submissions from 4 submitters: Uncertain significance (2); Benign (1); Likely benign (1). Last evaluated 2025-05-27.

Conditions:
Tuberous sclerosis 2 (TSC2). Identifiers: Orphanet 805, MedGen C1860707, MONDO:0013199, OMIM 613254.
Hereditary cancer-predisposing syndrome. Also called: Hereditary Cancer Syndrome; Neoplastic Syndromes, Hereditary; Hereditary neoplastic syndrome; Tumor predisposition. Identifiers: Orphanet 140162, MedGen C0027672, MeSH D009386, MONDO:0015356.

Allele frequency attached by ClinVar (database versions not stated): gnomAD below 0.00001 and 0.00001; gnomAD exomes 0.00001; ExAC 0.00002.
gnomAD v4.1: 12 of 1,612,972 alleles (0.00074%); highest among the groups gnomAD compares: South Asian, 0.012%; no homozygotes.

Submissions (4):

Myriad Genetics, Inc.
Classification: Likely benign for Tuberous sclerosis 2. Last evaluated: 2025-05-27. Review status: criteria provided, single submitter. Criteria: Myriad Autosomal Dominant, Autosomal Recessive and X-Linked Classification Criteria (2023). Collection method: clinical testing. Allele origin: unknown.
Comment: This variant is considered likely benign. This variant has been observed at a population frequency that is significantly greater than expected given the associated disease prevalence and penetrance.

Labcorp Genetics (formerly Invitae), Labcorp
Classification: Benign for Tuberous sclerosis 2. Last evaluated: 2025-05-21. Review status: criteria provided, single submitter. Criteria: Invitae Variant Classification Sherloc (09022015). Collection method: clinical testing. Allele origin: germline.

Ambry Genetics
Classification: Uncertain significance for Hereditary cancer-predisposing syndrome. Last evaluated: 2023-09-06. Review status: criteria provided, single submitter. Criteria: Ambry Variant Classification Scheme 2023. Collection method: clinical testing. Allele origin: germline.
Comment: The p.A950V variant (also known as c.2849C>T), located in coding exon 25 of the TSC2 gene, results from a C to T substitution at nucleotide position 2849. The alanine at codon 950 is replaced by valine, an amino acid with similar properties. This amino acid position is well conserved in available vertebrate species. In addition, the in silico prediction for this alteration is inconclusive. Since supporting evidence is limited at this time, the clinical significance of this alteration remains unclear.

Genome-Nilou Lab
Classification: Uncertain significance for Tuberous sclerosis 2. Last evaluated: 2021-11-07. Review status: criteria provided, single submitter. Criteria: ACMG Guidelines, 2015. Collection method: clinical testing. Allele origin: germline. Affected: no.

NM_000548.5(TSC2):c.2849C>T (p.Ala950Val)

Gene: TSC2 (TSC complex subunit 2; plus strand). Cytogenetic location: 16p13.3.
Variant type: single nucleotide variant.
Coding change: c.2849C>T on transcript NM_000548.5 (MANE Select); coding-DNA position 2849, C replaced by T.
Protein change: p.Ala950Val; replaces alanine 950 with valine.
Molecular consequence: missense variant. On other transcripts: intron variant (9).
Genome position (GRCh38, 1-based): chr16:2,077,609, C>T. VCF-style: chr16-2077609-C-T. GRCh37 (hg19) VCF-style: chr16-2127610-C-T.
Other names: c.2849C>T, p.Ala950Val (NM_001114382.3); c.2837+1024C>T (NM_021055.3, NM_001370405.1, NM_001363528.2 and 2 more transcripts); c.2726+1024C>T (NM_001318827.2); c.2237+1024C>T (NM_001318831.2); c.2690+1024C>T (NM_001318829.2); c.2870+1024C>T (NM_001318832.2); short protein forms A950V.
Identifiers: ClinVar variation 821899 (VCV000821899.16), dbSNP rs780737734, ClinGen allele CA042406.
Genomic context (GRCh38, chr16:2,077,609, plus strand): 5'-CCGGGAGCTGGGCTCTCTGGGGCGTTGGGGCTCCTTCCTCACCCGATAGTCTGAGGATAG[C>T]CAGACCCCCCAAACAAGGCTTGAATAACTCTCCACCCGTGAAAGAATTCAAGGAGAGCTC-3'
Protein context (NP_000539.2, residues 940-960): LNERPKSLRI[Ala950Val]RPPKQGLNNS